The following is an entry in ClinVar:

ClinVar aggregate classification (germline): Uncertain significance (1 of 4 stars; one submission).

Conditions:
Fanconi anemia (FA). Also called: Fanconi's anemia. Identifiers: Orphanet 84, MedGen C0015625, MeSH D005199, MONDO:0019391.

Submission:

Labcorp Genetics (formerly Invitae), Labcorp
Classification: Uncertain significance for Fanconi anemia. Last evaluated: 2021-10-08. Review status: criteria provided, single submitter. Criteria: Invitae Variant Classification Sherloc (09022015). Collection method: clinical testing. Allele origin: germline.
Comment: In summary, the available evidence is currently insufficient to determine the role of this variant in disease. Therefore, it has been classified as a Variant of Uncertain Significance. Experimental studies and prediction algorithms are not available or were not evaluated, and the functional significance of this variant is currently unknown. This variant has not been reported in the literature in individuals affected with FANCD2-related conditions. This variant is a gross deletion of the genomic region encompassing exon(s) 42-43 of the FANCD2 gene, which includes the termination codon. This deletion extends beyond the assayed region for this gene and therefore may encompass additional genes. While this deletion is not anticipated to lead to nonsense mediated decay, it is expected to alter mRNA translation or result in a truncated protein product.

NC_000003.11:g.(?_10138000)_(10140634_?)del

Genes: FANCD2 (FA complementation group D2; plus strand), FANCD2OS (FANCD2 opposite strand; minus strand). Cytogenetic location: 3p25.3.
Variant type: Deletion.
Identifiers: ClinVar variation 1430720 (VCV001430720.4).